The following is an entry in ClinVar:

NM_130384.3(ATRIP):c.1358C>A (p.Ser453Tyr)

Genes: ATRIP (ATR interacting protein; plus strand), ATRIP-TREX1 (ATRIP-TREX1 readthrough; plus strand). Cytogenetic location: 3p21.31.
Variant type: single nucleotide variant.
Coding change: c.1358C>A on transcript NM_130384.3 (MANE Select); coding-DNA position 1358, C replaced by A.
Protein change: p.Ser453Tyr; replaces serine 453 with tyrosine.
Molecular consequence: missense variant. On other transcripts: non-coding transcript variant (1).
Genome position (GRCh38, 1-based): chr3:48,460,412, C>A. VCF-style: chr3-48460412-C-A. GRCh37 (hg19) VCF-style: chr3-48501811-C-A.
Other names: c.977C>A, p.Ser326Tyr (NM_001271022.2); c.1079C>A, p.Ser360Tyr (NM_001271023.2); c.1358C>A, p.Ser453Tyr (NM_032166.4); short protein forms S326Y, S360Y, S453Y.
Identifiers: ClinVar variation 3811221 (VCV003811221.1).

ClinVar aggregate classification (germline): Uncertain significance (1 of 4 stars; one submission).

gnomAD v4.1: 1 of 1,613,164 alleles (0.000062%); highest among the groups gnomAD compares: African/African-American, 0.0013%; no homozygotes.

Submission:

Ambry Genetics
Classification: Uncertain significance. Last evaluated: 2025-03-14. Review status: criteria provided, single submitter. Criteria: Ambry Variant Classification Scheme 2023. Collection method: clinical testing. Allele origin: germline.
Comment: The p.S453Y variant (also known as c.1358C>A), located in coding exon 8 of the ATRIP gene, results from a C to A substitution at nucleotide position 1358. The serine at codon 453 is replaced by tyrosine, an amino acid with dissimilar properties. This amino acid position is conserved. In addition, this alteration is predicted to be tolerated by in silico analysis. Based on the available evidence, the clinical significance of this variant remains unclear.